The following is an entry in ClinVar:

NM_001003800.2(BICD2):c.1688G>A (p.Gly563Glu)

Gene: BICD2 (BICD cargo adaptor 2; minus strand). Cytogenetic location: 9q22.31.
Variant type: single nucleotide variant.
Coding change: c.1688G>A on transcript NM_001003800.2 (MANE Select); coding-DNA position 1688, G replaced by A.
Protein change: p.Gly563Glu; replaces glycine 563 with glutamic acid.
Molecular consequence: missense variant.
Genome position (GRCh38, 1-based): chr9:92,718,957, C>T on the plus strand (G>A on the coding strand, the complement: BICD2 is on the minus strand). VCF-style: chr9-92718957-C-T. GRCh37 (hg19) VCF-style: chr9-95481239-C-T.
Other names: c.1688G>A, p.Gly563Glu (NM_015250.4); short protein forms G563E.
Identifiers: ClinVar variation 1722177 (VCV001722177.6), dbSNP rs1853393359, ClinGen allele CA374036337.

ClinVar aggregate classification (germline): Uncertain significance (1 of 4 stars; one submission).

Conditions:
Autosomal dominant childhood-onset proximal spinal muscular atrophy with contractures (SMALED2A). Also called: SPINAL MUSCULAR ATROPHY, LOWER EXTREMITY-PREDOMINANT, 2A, CHILDHOOD ONSET, AUTOSOMAL DOMINANT; Spinal muscular atrophy, lower extremity-predominant, 2A, autosomal dominant. Identifiers: Orphanet 363447, Orphanet 363454, MedGen C4747715, MONDO:0014121, OMIM 615290.

Allele frequency attached by ClinVar (database versions not stated): TOPMed below 0.00001.

Submission:

Labcorp Genetics (formerly Invitae), Labcorp
Classification: Uncertain significance for Autosomal dominant childhood-onset proximal spinal muscular atrophy with contractures. Last evaluated: 2022-10-27. Review status: criteria provided, single submitter. Criteria: Invitae Variant Classification Sherloc (09022015). Collection method: clinical testing. Allele origin: germline.
Comment: This sequence change replaces glycine, which is neutral and non-polar, with glutamic acid, which is acidic and polar, at codon 563 of the BICD2 protein (p.Gly563Glu). This variant is not present in population databases (gnomAD no frequency). This variant has not been reported in the literature in individuals affected with BICD2-related conditions. Advanced modeling of protein sequence and biophysical properties (such as structural, functional, and spatial information, amino acid conservation, physicochemical variation, residue mobility, and thermodynamic stability) performed at Invitae indicates that this missense variant is not expected to disrupt BICD2 protein function. In summary, the available evidence is currently insufficient to determine the role of this variant in disease. Therefore, it has been classified as a Variant of Uncertain Significance.